The following is an entry in ClinVar:

ClinVar aggregate classification (germline): Uncertain significance. Review status: criteria provided, multiple submitters, no conflicts (2 of 4 stars). 2 submissions from 2 submitters: Uncertain significance (2). Last evaluated 2023-12-18.

Conditions:
Inborn genetic diseases. Identifiers: MedGen C0950123, MeSH D030342.

Allele frequency attached by ClinVar (database versions not stated): gnomAD 0.00005.
gnomAD v4.1: 49 of 1,613,290 alleles (0.003%); highest among the groups gnomAD compares: Middle Eastern, 0.016%; 1 homozygote.

Submissions (2):

Ambry Genetics
Classification: Uncertain significance for Inborn genetic diseases. Last evaluated: 2023-12-18. Review status: criteria provided, single submitter. Criteria: Ambry Variant Classification Scheme 2023. Collection method: clinical testing. Allele origin: germline.

Labcorp Genetics (formerly Invitae), Labcorp
Classification: Uncertain significance. Last evaluated: 2022-05-03. Review status: criteria provided, single submitter. Criteria: Invitae Variant Classification Sherloc (09022015). Collection method: clinical testing. Allele origin: germline.
Comment: In summary, the available evidence is currently insufficient to determine the role of this variant in disease. Therefore, it has been classified as a Variant of Uncertain Significance. Algorithms developed to predict the effect of missense changes on protein structure and function (SIFT, PolyPhen-2, Align-GVGD) all suggest that this variant is likely to be tolerated. This variant has not been reported in the literature in individuals affected with NNT-related conditions. This variant is present in population databases (rs145466859, gnomAD 0.02%). This sequence change replaces alanine, which is neutral and non-polar, with valine, which is neutral and non-polar, at codon 1078 of the NNT protein (p.Ala1078Val).

NM_182977.3(NNT):c.3233C>T (p.Ala1078Val)

Gene: NNT (nicotinamide nucleotide transhydrogenase; plus strand). Cytogenetic location: 5p12.
Variant type: single nucleotide variant.
Coding change: c.3233C>T on transcript NM_182977.3 (MANE Select); coding-DNA position 3233, C replaced by T.
Protein change: p.Ala1078Val; replaces alanine 1078 with valine.
Molecular consequence: missense variant.
Genome position (GRCh38, 1-based): chr5:43,704,376, C>T. VCF-style: chr5-43704376-C-T. GRCh37 (hg19) VCF-style: chr5-43704478-C-T.
Other names: c.3233C>T (NM_012343.3); c.2840C>T, p.Ala947Val (NM_001331026.2); c.3233C>T, p.Ala1078Val (NM_012343.4); short protein forms A947V, A1078V.
Identifiers: ClinVar variation 2200263 (VCV002200263.5), dbSNP rs145466859, ClinGen allele CA3258452.